The following is an entry in ClinVar:

NC_000005.9:g.(?_138855826)_(138861309_?)del

Gene: STING1 (stimulator of interferon response cGAMP interactor 1; minus strand). Cytogenetic location: 5q31.2.
Variant type: Deletion.
Identifiers: ClinVar variation 1025596 (VCV001025596.1).

ClinVar aggregate classification (germline): Uncertain significance (1 of 4 stars; one submission).

Conditions:
STING-associated vasculopathy with onset in infancy. Also called: Sting-associated vasculopathy, infantile-onset. Identifiers: Orphanet 425120, MedGen C4014722, MONDO:0014405, OMIM 615934.

Submission:

Labcorp Genetics (formerly Invitae), Labcorp
Classification: Uncertain significance for STING-associated vasculopathy with onset in infancy. Last evaluated: 2020-08-02. Review status: criteria provided, single submitter. Criteria: Invitae Variant Classification Sherloc (09022015). Collection method: clinical testing. Allele origin: germline.
Comment: A gross deletion of the genomic region encompassing the full coding sequence of the TMEM173 gene has been identified. The boundaries of this event are unknown as the deletion extends beyond the assayed region for this gene and therefore may encompass additional genes. This variant has not been reported in the literature in individuals with TMEM173-related conditions. The current clinical and genetic evidence is not sufficient to establish whether loss-of-function variants in TMEM173 cause disease. In summary, the available evidence is currently insufficient to determine the role of this variant in disease. Therefore, it has been classified as a Variant of Uncertain Significance.